The following is an entry in ClinVar:

NM_014140.4(SMARCAL1):c.1061T>C (p.Ile354Thr)

Gene: SMARCAL1 (SNF2 related chromatin remodeling annealing helicase 1; plus strand). Cytogenetic location: 2q35.
Variant type: single nucleotide variant.
Coding change: c.1061T>C on transcript NM_014140.4 (MANE Select); coding-DNA position 1061, T replaced by C.
Protein change: p.Ile354Thr; replaces isoleucine 354 with threonine.
Molecular consequence: missense variant.
Genome position (GRCh38, 1-based): chr2:216,420,497, T>C. VCF-style: chr2-216420497-T-C. GRCh37 (hg19) VCF-style: chr2-217285220-T-C.
Other names: c.1061T>C, p.Ile354Thr (NM_001127207.2); short protein forms I354T.
Identifiers: ClinVar variation 2136963 (VCV002136963.5), dbSNP rs768801748, ClinGen allele CA2097763.
Genomic context (GRCh38, chr2:216,420,497, plus strand): 5'-GATGCATGCTCATCTCCAGGGCCTACTTCGAGGCAGACATCAGTTATTCACAGGACCTTA[T>C]TGCGCTTTTTAAACAGATGGATTCCAGAAGATATGGCAAGTAATTGGTCTTTGTCTGATT-3'
Protein context (NP_054859.2, residues 344-364): EADISYSQDL[Ile354Thr]ALFKQMDSRR

ClinVar aggregate classification (germline): Uncertain significance. Review status: criteria provided, multiple submitters, no conflicts (2 of 4 stars). 4 submissions from 4 submitters: Uncertain significance (4). Last evaluated 2025-08-28.

Conditions:
SMARCAL1-related disorder. Also called: SMARCAL1-related condition.
Inborn genetic diseases. Identifiers: MedGen C0950123, MeSH D030342.
Schimke immuno-osseous dysplasia (SIOD). Also called: Schimke Immunoosseous Dysplasia. Identifiers: Orphanet 1830, MedGen C0877024, MONDO:0009458, OMIM 242900.

Allele frequency attached by ClinVar (database versions not stated): ExAC 0.00001; gnomAD exomes 0.00001; gnomAD 0.00003; TOPMed 0.00003.
gnomAD v4.1: 16 of 1,614,084 alleles (0.00099%); highest among the groups gnomAD compares: Admixed American, 0.0067%; no homozygotes.

Submissions (4):

PreventionGenetics, part of Exact Sciences
Classification: Uncertain significance for SMARCAL1-related condition. Last evaluated: 2025-08-28. Review status: criteria provided, single submitter. Criteria: ACMG Guidelines, 2015. Collection method: clinical testing. Allele origin: germline.
Comment: The SMARCAL1 c.1061T>C variant is predicted to result in the amino acid substitution p.Ile354Thr. To our knowledge, this variant has not been reported in the literature. This variant is reported in 0.0085% of alleles in individuals of Latino descent in gnomAD. At this time, the clinical significance of this variant is uncertain due to the absence of conclusive functional and genetic evidence.

Ambry Genetics
Classification: Uncertain significance for Inborn genetic diseases. Last evaluated: 2025-04-03. Review status: criteria provided, single submitter. Criteria: Ambry Variant Classification Scheme 2023. Collection method: clinical testing. Allele origin: germline.

Labcorp Genetics (formerly Invitae), Labcorp
Classification: Uncertain significance for Schimke immuno-osseous dysplasia. Last evaluated: 2024-11-07. Review status: criteria provided, single submitter. Criteria: Invitae Variant Classification Sherloc (09022015). Collection method: clinical testing. Allele origin: germline.
Comment: This sequence change replaces isoleucine, which is neutral and non-polar, with threonine, which is neutral and polar, at codon 354 of the SMARCAL1 protein (p.Ile354Thr). This variant is present in population databases (rs768801748, gnomAD 0.009%). This variant has not been reported in the literature in individuals affected with SMARCAL1-related conditions. ClinVar contains an entry for this variant (Variation ID: 2136963). Invitae Evidence Modeling of protein sequence and biophysical properties (such as structural, functional, and spatial information, amino acid conservation, physicochemical variation, residue mobility, and thermodynamic stability) indicates that this missense variant is not expected to disrupt SMARCAL1 protein function with a negative predictive value of 80%. In summary, the available evidence is currently insufficient to determine the role of this variant in disease. Therefore, it has been classified as a Variant of Uncertain Significance.

Fulgent Genetics
Classification: Uncertain significance for Schimke immuno-osseous dysplasia. Last evaluated: 2024-02-11. Review status: criteria provided, single submitter. Criteria: ACMG Guidelines, 2015. Collection method: clinical testing. Allele origin: germline.